The following is an entry in ClinVar:

NM_004104.5(FASN):c.1018G>T (p.Ala340Ser)

Gene: FASN (fatty acid synthase; minus strand). Cytogenetic location: 17q25.3.
Variant type: single nucleotide variant.
Coding change: c.1018G>T on transcript NM_004104.5 (MANE Select); coding-DNA position 1018, G replaced by T.
Protein change: p.Ala340Ser; replaces alanine 340 with serine.
Molecular consequence: missense variant.
Genome position (GRCh38, 1-based): chr17:82,092,466, C>A on the plus strand (G>T on the coding strand, the complement: FASN is on the minus strand). VCF-style: chr17-82092466-C-A. GRCh37 (hg19) VCF-style: chr17-80050342-C-A.
Other names: short protein forms A340S.
Identifiers: ClinVar variation 461995 (VCV000461995.8), dbSNP rs1469173192, ClinGen allele CA401561702.
Genomic context (GRCh38, chr17:82,092,466, plus strand): 5'-GTCCCAGGGAGCAGGAGCCTGAGGGACCCCCAAGCCCAGCCCCACCTACCTTGGCCAGGG[C>A]TGCCAGCCCCGAGGCTGGCTCCGGGTGCCCCATGTTGGACTTGGTGGAGCCGATGAGCAG-3'
Protein context (NP_004095.4, residues 330-350): GHPEPASGLA[Ala340Ser]LAKVLLSLEH

ClinVar aggregate classification (germline): Uncertain significance (1 of 4 stars; one submission).

Conditions:
Epileptic encephalopathy. Identifiers: MedGen C0543888, HP:0200134.

Allele frequency attached by ClinVar (database versions not stated): gnomAD exomes below 0.00001.
gnomAD v4.1: 3 of 1,576,050 alleles (0.00019%); highest among the groups gnomAD compares: Non-Finnish European, 0.00026%; no homozygotes.

Submission:

Labcorp Genetics (formerly Invitae), Labcorp
Classification: Uncertain significance for Epileptic encephalopathy. Last evaluated: 2020-03-07. Review status: criteria provided, single submitter. Criteria: Invitae Variant Classification Sherloc (09022015). Collection method: clinical testing. Allele origin: germline.
Comment: This variant is not present in population databases (ExAC no frequency). In summary, this variant has uncertain impact on FASN function. The available evidence is currently insufficient to determine its role in disease. Therefore, it has been classified as a Variant of Uncertain Significance. Algorithms developed to predict the effect of missense changes on protein structure and function (SIFT, PolyPhen-2, Align-GVGD) all suggest that this variant is likely to be tolerated, but these predictions have not been confirmed by published functional studies and their clinical significance is uncertain. This variant has not been reported in the literature in individuals with FASN-related disease. This sequence change replaces alanine with serine at codon 340 of the FASN protein (p.Ala340Ser). The alanine residue is highly conserved and there is a moderate physicochemical difference between alanine and serine.